The following is an entry in ClinVar:

ClinVar aggregate classification (germline): Uncertain significance. Review status: criteria provided, multiple submitters, no conflicts (2 of 4 stars). 2 submissions from 2 submitters: Uncertain significance (2). Last evaluated 2024-09-30.

Conditions:
Hereditary spastic paraplegia 48. Also called: SPASTIC PARAPLEGIA 48, AUTOSOMAL RECESSIVE; Spastic paraplegia 48. Identifiers: Orphanet 306511, MedGen C3150901, MONDO:0013342, OMIM 613647.
Inborn genetic diseases. Identifiers: MedGen C0950123, MeSH D030342.

Allele frequency attached by ClinVar (database versions not stated): ExAC 0.00001; gnomAD exomes 0.00001; TOPMed 0.00002; gnomAD 0.00005.
gnomAD v4.1: 18 of 1,608,964 alleles (0.0011%); highest among the groups gnomAD compares: East Asian, 0.0045%; no homozygotes.

Submissions (2):

Labcorp Genetics (formerly Invitae), Labcorp
Classification: Uncertain significance for Hereditary spastic paraplegia 48. Last evaluated: 2024-09-30. Review status: criteria provided, single submitter. Criteria: Invitae Variant Classification Sherloc (09022015). Collection method: clinical testing. Allele origin: germline.
Comment: This sequence change replaces methionine, which is neutral and non-polar, with threonine, which is neutral and polar, at codon 702 of the AP5Z1 protein (p.Met702Thr). This variant is present in population databases (rs777075668, gnomAD 0.006%). This variant has not been reported in the literature in individuals affected with AP5Z1-related conditions. ClinVar contains an entry for this variant (Variation ID: 2085375). Invitae Evidence Modeling of protein sequence and biophysical properties (such as structural, functional, and spatial information, amino acid conservation, physicochemical variation, residue mobility, and thermodynamic stability) indicates that this missense variant is expected to disrupt AP5Z1 protein function with a positive predictive value of 80%. In summary, the available evidence is currently insufficient to determine the role of this variant in disease. Therefore, it has been classified as a Variant of Uncertain Significance.

Ambry Genetics
Classification: Uncertain significance for Inborn genetic diseases. Last evaluated: 2024-09-24. Review status: criteria provided, single submitter. Criteria: Ambry Variant Classification Scheme 2023. Collection method: clinical testing. Allele origin: germline.

NM_014855.3(AP5Z1):c.2105T>C (p.Met702Thr)

Gene: AP5Z1 (adaptor related protein complex 5 subunit zeta 1; plus strand). Cytogenetic location: 7p22.1.
Variant type: single nucleotide variant.
Coding change: c.2105T>C on transcript NM_014855.3 (MANE Select); coding-DNA position 2105, T replaced by C.
Protein change: p.Met702Thr; replaces methionine 702 with threonine.
Molecular consequence: missense variant. On other transcripts: non-coding transcript variant (1).
Genome position (GRCh38, 1-based): chr7:4,790,839, T>C. VCF-style: chr7-4790839-T-C. GRCh37 (hg19) VCF-style: chr7-4830470-T-C.
Other names: c.2105T>C (NM_014855.2); c.1637T>C, p.Met546Thr (NM_001364858.1); short protein forms M546T, M702T.
Identifiers: ClinVar variation 2085375 (VCV002085375.5), dbSNP rs777075668, ClinGen allele CA4138302.